The following is an entry in ClinVar:

ClinVar aggregate classification (germline): Likely benign (1 of 4 stars; one submission).

gnomAD v4.1: 9 of 1,549,490 alleles (0.00058%); highest among the groups gnomAD compares: African/African-American, 0.0014%; no homozygotes.

Submission:

Women's Health and Genetics/Laboratory Corporation of America, LabCorp
Classification: Likely benign. Last evaluated: 2025-01-28. Review status: criteria provided, single submitter. Criteria: LabCorp Variant Classification Summary - May 2015. Collection method: clinical testing. Allele origin: germline.
Comment: Variant summary: CACNA1H c.1935G>A results in a synonymous change. Consensus agreement among computation tools predict no significant impact on normal splicing. However, these predictions have yet to be confirmed by functional studies. The variant was absent in 146980 control chromosomes. The available data on variant occurrences in the general population are insufficient to allow any conclusion about variant significance. To our knowledge, no occurrence of c.1935G>A in individuals affected with Idiopathic Generalized Epilepsy and no experimental evidence demonstrating its impact on protein function have been reported. No submitters have cited clinical-significance assessments for this variant to ClinVar. Based on the evidence outlined above, the variant was classified as likely benign.

NM_021098.3(CACNA1H):c.1935G>A (p.Gly645=)

Gene: CACNA1H (calcium voltage-gated channel subunit alpha1 H; plus strand). Cytogenetic location: 16p13.3.
Variant type: single nucleotide variant.
Coding change: c.1935G>A on transcript NM_021098.3 (MANE Select); coding-DNA position 1935, G replaced by A.
Protein change: p.Gly645=; no amino-acid change (glycine 645 retained).
Molecular consequence: synonymous variant.
Genome position (GRCh38, 1-based): chr16:1,202,385, G>A. VCF-style: chr16-1202385-G-A. GRCh37 (hg19) VCF-style: chr16-1252385-G-A.
Other names: c.1935G>A, p.Gly645= (NM_001005407.2).
Identifiers: ClinVar variation 3769356 (VCV003769356.2).